The following is an entry in ClinVar:

NM_000132.4(F8):c.5822A>G (p.Asn1941Ser)

Gene: F8 (coagulation factor VIII; minus strand). Cytogenetic location: Xq28.
Variant type: single nucleotide variant.
Coding change: c.5822A>G on transcript NM_000132.4 (MANE Select); coding-DNA position 5822, A replaced by G.
Protein change: p.Asn1941Ser; replaces asparagine 1941 with serine.
Molecular consequence: missense variant.
Genome position (GRCh38, 1-based): chrX:154,904,082, T>C on the plus strand (A>G on the coding strand, the complement: F8 is on the minus strand). VCF-style: chrX-154904082-T-C. GRCh37 (hg19) VCF-style: chrX-154132357-T-C.
Other names: F8, ASN1922SER; N1922S; NM_000132.3(F8):c.5822A>G; short protein forms N1941S.
Identifiers: ClinVar variation 10294 (VCV000010294.17), dbSNP rs28933682, ClinGen allele CA255184.
Genomic context (GRCh38, chrX:154,904,082, plus strand): 5'-CATCGAATCCTTTGATCCTGAGCCATTACTAAGCCAGGTAGTGTATCCATTATGTAGCCA[T>C]TGATTGCTGGAGAAGGACACAGAGAAGCCTGTTAAAATCTATTATATAAGTTTCTTTCTC-3'
Protein context (NP_000123.1, residues 1931-1951): FKENYRFHAI[Asn1941Ser]GYIMDTLPGL

ClinVar aggregate classification (germline): Pathogenic. Review status: reviewed by expert panel (3 of 4 stars). 7 submissions from 7 submitters: Pathogenic (1). 6 of the submissions do not count toward it. Last evaluated 2024-02-02.

Conditions:
F8-related disorders.
Hereditary factor VIII deficiency disease (HEMA). Also called: HEMOPHILIA, CLASSIC; Hemophilia A, congenital; HEM A; Factor 8 deficiency, congenital; Hemophilia A; AUTOSOMAL HEMOPHILIA A. Identifiers: Orphanet 98878, MedGen C0019069, MONDO:0010602, OMIM 306700.

Submissions (7):

ClinGen Coagulation Factor Deficiency Variant Curation Expert Panel, Clingen
Classification: Pathogenic for Hereditary factor VIII deficiency disease. Last evaluated: 2024-02-02. Review status: reviewed by expert panel. Criteria: ClinGen CoagFactor ACMG Specifications F8 V1.0.0. Collection method: curation. Allele origin: germline. Inheritance: X-linked inheritance.
Comment: The c.5822A>G (p.Asn1941Ser) variant is completely absent from gnomAD v2.1.1 and v3.1.1, which meets PM2_Supporting. This missense variant has a REVEL score of 0.943 (>0.6) and meets criteria for PP3. At least 80 probands have been reported in the literature and from internal laboratory data who meet the F8 phenotype criteria meeting thresholds for PS4_Very strong (>8 probands) and PP4_Moderate. Two brothers have been reported with severe hemophilia A, which meets the PP1 criteria (PMID: 15996930). Functional evidence from PMID: 21217077 shows that the variant results in a secretory defect based on barely detectable levels of antigen and activity when expressed in BHK cells, which meets PS3 criteria. In summary, this variant meets criteria to be classified as pathogenic. ACMG/AMP criteria applied, as specified by the Coagulation Factor Deficiency Variant Curation Expert Panel for F8: PS4_Very strong, PS3, PM2_Supporting, PP1, PP3.

ARUP Laboratories, Molecular Genetics and Genomics, ARUP Laboratories
Classification: Pathogenic. Last evaluated: 2024-08-26. Review status: criteria provided, single submitter. Criteria: ARUP Molecular Germline Variant Investigation Process 2024. Collection method: clinical testing. Allele origin: germline. Not counted in ClinVar's aggregate classification.
Comment: The F8 c.5822A>G, p.Asn1941Ser variant (rs28933682), also known as Asn1922Ser, has been reported in individuals with moderate to severe hemophilia A (Astermark 2005, Diamond 2005, Higuchi 1991, Summers 2011, Factor VIII Variant Database and references therein). Functional testing in patients with this variant suggest below 5% of normal activity (Factor VIII Variant Database), and characterization of the variant protein in heterologous cells indicates defective processing, accumulation in the endoplasmic reticulum, decreased F8 secretion (Summers 2011). This variant is absent from the Genome Aggregation Database, indicating it is not a common polymorphism. Additionally, other amino acid substitutions at this codon (Asp, Ile, Lys, Thr) have been reported in individuals with hemophilia A and are considered disease-causing (Factor VIII Variant Database and references therein). Based on available information, the p.Asn1941Ser variant is considered to be pathogenic. References: Factor VIII Variant Database: Astermark J et al. The Malmo International Brother Study (MIBS). Genetic defects and inhibitor development in siblings with severe hemophilia A. Haematologica. 2005; 90(7):924-31. PMID: 15996930. Diamond C et al. Amino acid substitutions in conserved domains of factor VIII and related proteins: study of patients with mild and moderately severe hemophilia A. Hum Mutat. 1992; 1(3):248-57. PMID: 1301932. Higuchi M et al. Molecular characterization of severe hemophilia A suggests that about half the mutations are not within the coding regions and splice junctions of the factor VIII gene. Proc Natl Acad Sci U S A. 1991; 88(16):7405-9. PMID: 1908096. Summers R et al. Factor VIII A3 domain substitution N1922S results in hemophilia A due to domain-specific misfolding and hyposecretion of functional protein. Blood. 2011; 117(11):3190-8. PMID: 21217077.

Women's Health and Genetics/Laboratory Corporation of America, LabCorp
Classification: Pathogenic for Hereditary factor VIII deficiency disease. Last evaluated: 2023-11-14. Review status: criteria provided, single submitter. Criteria: LabCorp Variant Classification Summary - May 2015. Collection method: clinical testing. Allele origin: germline. Not counted in ClinVar's aggregate classification.
Comment: Variant summary: F8 c.5822A>G (p.Asn1941Ser) results in a conservative amino acid change located in the Multicopper oxidase, C-terminal domain (IPR011706) of the encoded protein sequence. Four of five in-silico tools predict a damaging effect of the variant on protein function. The variant was absent in 183127 control chromosomes (gnomAD). c.5822A>G has been reported in the literature in multiple individuals affected with Factor VIII Deficiency (Hemophilia A) (examples: Miller_2012 and Chen_2021). These data indicate that the variant is very likely to be associated with disease. The following publications have been ascertained in the context of this evaluation (PMID: 22103590, 33706050). Two submitters have cited clinical-significance assessments for this variant to ClinVar after 2014. All submitters classified the variant as pathogenic. Based on the evidence outlined above, the variant was classified as pathogenic.

Mayo Clinic Laboratories, Mayo Clinic
Classification: Pathogenic. Last evaluated: 2023-08-23. Review status: criteria provided, single submitter. Criteria: ACMG Guidelines, 2015. Collection method: clinical testing. Allele origin: germline. Observed: 4 variant alleles. Not counted in ClinVar's aggregate classification.
Comment: PP3, PM1, PM2_moderate, PS3, PS4_moderate

Johns Hopkins Genomics, Johns Hopkins University
Classification: Pathogenic for Hereditary factor VIII deficiency disease. Last evaluated: 2022-08-04. Review status: criteria provided, single submitter. Criteria: ACMG Guidelines, 2015. Collection method: clinical testing. Allele origin: germline. Not counted in ClinVar's aggregate classification.

Blueprint Genetics
Classification: Pathogenic for F8-related disorders. Last evaluated: 2022-06-01. Review status: criteria provided, single submitter. Criteria: ACMG Guidelines, 2015. Collection method: clinical testing. Allele origin: germline. Affected: yes. Observed: 1 variant allele. Not counted in ClinVar's aggregate classification.

OMIM
Classification: Pathogenic for HEMOPHILIA A. Last evaluated: 2011-03-17. Review status: no assertion criteria provided. Collection method: literature only. Allele origin: germline. Not counted in ClinVar's aggregate classification.

Literature cited by the submitters: PubMed 22103590 (cited by Women's Health and Genetics/Laboratory Corporation of America, LabCorp); PubMed 33706050 (cited by Women's Health and Genetics/Laboratory Corporation of America, LabCorp); PubMed 21217077 (cited by 3 submitters); PubMed 1301932 (cited by Johns Hopkins Genomics, Johns Hopkins University and OMIM); PubMed 1908096 (cited by Johns Hopkins Genomics, Johns Hopkins University and OMIM); PubMed 29296726 (cited by Johns Hopkins Genomics, Johns Hopkins University).